The following is an entry in ClinVar:

ClinVar aggregate classification (germline): Uncertain significance. Review status: criteria provided, multiple submitters, no conflicts (2 of 4 stars). 2 submissions from 2 submitters: Uncertain significance (2). Last evaluated 2025-03-17.

Conditions:
Neurodevelopmental disorder with dysmorphic facies and distal skeletal anomalies. Identifiers: MedGen C5231448, MONDO:0032855, OMIM 618659.

Allele frequency attached by ClinVar (database versions not stated): TOPMed 0.00003; gnomAD 0.00003; ExAC 0.00002; gnomAD exomes 0.00002.

Submissions (2):

Labcorp Genetics (formerly Invitae), Labcorp
Classification: Uncertain significance. Last evaluated: 2025-03-17. Review status: criteria provided, single submitter. Criteria: Invitae Variant Classification Sherloc (09022015). Collection method: clinical testing. Allele origin: germline.
Comment: This sequence change replaces arginine, which is basic and polar, with glutamine, which is neutral and polar, at codon 371 of the ZMIZ1 protein (p.Arg371Gln). This variant is present in population databases (rs201966745, gnomAD 0.04%). This variant has not been reported in the literature in individuals affected with ZMIZ1-related conditions. ClinVar contains an entry for this variant (Variation ID: 2062080). Invitae Evidence Modeling of protein sequence and biophysical properties (such as structural, functional, and spatial information, amino acid conservation, physicochemical variation, residue mobility, and thermodynamic stability) indicates that this missense variant is not expected to disrupt ZMIZ1 protein function with a negative predictive value of 95%. In summary, the available evidence is currently insufficient to determine the role of this variant in disease. Therefore, it has been classified as a Variant of Uncertain Significance.

Pittsburgh Clinical Genomics Laboratory, University of Pittsburgh Medical Center
Classification: Uncertain significance for Neurodevelopmental disorder with dysmorphic facies and distal skeletal anomalies. Last evaluated: 2024-05-15. Review status: criteria provided, single submitter. Criteria: ACMG Guidelines, 2015. Collection method: clinical testing. Allele origin: germline. Inheritance: Autosomal dominant inheritance. Affected: yes.
Comment: This sequence variant is a single nucleotide substitution (G>A) at position 1112 of the coding sequence of the ZMIZ1 gene that results in an arginine to glutamine amino acid change at residue 371 of the zinc finger MIZ-type containing 1 protein. This is a previously reported variant (ClinVar 2062080) that has not been observed in individuals affected by ZMIZ1-related conditions in the published literature. This variant is present in 42 of 1611456 alleles (0.0026%) in the gnomAD v4.1.0 population dataset. Multiple bioinformatic tools predict that this arginine to glutamine amino acid change would be damaging, and the Arg371 residue at this position is highly conserved across the vertebrate species examined. Studies examining the functional consequence of this variant have not been performed, to our knowledge. At this time, there is insufficient evidence to determine if this variant is pathogenic or benign. Therefore, we consider this a variant of uncertain significance. ACMG Criteria: PM2, PP3

NM_020338.4(ZMIZ1):c.1112G>A (p.Arg371Gln)

Gene: ZMIZ1 (zinc finger MIZ-type containing 1; plus strand). Cytogenetic location: 10q22.3.
Variant type: single nucleotide variant.
Coding change: c.1112G>A on transcript NM_020338.4 (MANE Select); coding-DNA position 1112, G replaced by A.
Protein change: p.Arg371Gln; replaces arginine 371 with glutamine.
Molecular consequence: missense variant.
Genome position (GRCh38, 1-based): chr10:79,293,535, G>A. VCF-style: chr10-79293535-G-A. GRCh37 (hg19) VCF-style: chr10-81053292-G-A.
Other names: short protein forms R371Q.
Identifiers: ClinVar variation 2062080 (VCV002062080.5), dbSNP rs201966745, ClinGen allele CA5572538.